The following is an entry in ClinVar:

ClinVar aggregate classification (germline): Uncertain significance. Review status: criteria provided, multiple submitters, no conflicts (2 of 4 stars). 2 submissions from 2 submitters: Uncertain significance (2). Last evaluated 2025-08-07.

Conditions:
Autosomal dominant osteopetrosis 1 (OPTA1). Also called: OSTEOPETROSIS, AUTOSOMAL DOMINANT, TYPE I. Identifiers: Orphanet 2783, MedGen C1843330, MONDO:0011877, OMIM 607634.
Bone mineral density quantitative trait locus 1 (BMND1). Identifiers: MedGen C1866079, OMIM 601884.
Worth disease. Also called: ENDOSTEAL HYPEROSTOSIS, AUTOSOMAL DOMINANT; OSTEOSCLEROSIS, AUTOSOMAL DOMINANT; Autosomal dominant osteosclerosis, Worth type. Identifiers: Orphanet 2790, MedGen C0432273, MONDO:0007764, OMIM 144750.
Osteoporosis with pseudoglioma (OPPG). Also called: osteoporosis-pseudoglioma syndrome. Identifiers: Orphanet 2788, MedGen C0432252, MONDO:0009820, OMIM 259770.
Polycystic liver disease 4 with or without kidney cysts. Identifiers: MedGen C4693479, MONDO:0044327, OMIM 617875.
Exudative vitreoretinopathy 4 (EVR4). Identifiers: Orphanet 891, MedGen C1866176, MONDO:0011151, OMIM 601813.

Allele frequency attached by ClinVar (database versions not stated): TOPMed below 0.00001; gnomAD 0.00001; ExAC 0.00002; gnomAD exomes 0.00002.
gnomAD v4.1: 31 of 1,613,314 alleles (0.0019%); highest among the groups gnomAD compares: Non-Finnish European, 0.0025%; no homozygotes.

Submissions (2):

Labcorp Genetics (formerly Invitae), Labcorp
Classification: Uncertain significance. Last evaluated: 2025-08-07. Review status: criteria provided, single submitter. Criteria: Invitae Variant Classification Sherloc (09022015). Collection method: clinical testing. Allele origin: germline.
Comment: This sequence change replaces aspartic acid, which is acidic and polar, with tyrosine, which is neutral and polar, at codon 1186 of the LRP5 protein (p.Asp1186Tyr). This variant is present in population databases (rs776416009, gnomAD 0.003%). This variant has not been reported in the literature in individuals affected with LRP5-related conditions. ClinVar contains an entry for this variant (Variation ID: 1930077). Invitae Evidence Modeling of protein sequence and biophysical properties (such as structural, functional, and spatial information, amino acid conservation, physicochemical variation, residue mobility, and thermodynamic stability) indicates that this missense variant is not expected to disrupt LRP5 protein function with a negative predictive value of 95%. In summary, the available evidence is currently insufficient to determine the role of this variant in disease. Therefore, it has been classified as a Variant of Uncertain Significance.

Fulgent Genetics
Classification: Uncertain significance for Worth disease; Osteoporosis with pseudoglioma; Exudative vitreoretinopathy 4; Bone mineral density quantitative trait locus 1; Autosomal dominant osteopetrosis 1; Polycystic liver disease 4 with or without kidney cysts. Last evaluated: 2024-04-18. Review status: criteria provided, single submitter. Criteria: ACMG Guidelines, 2015. Collection method: clinical testing. Allele origin: germline.

NM_002335.4(LRP5):c.3556G>T (p.Asp1186Tyr)

Gene: LRP5 (LDL receptor related protein 5; plus strand). Cytogenetic location: 11q13.2.
Variant type: single nucleotide variant.
Coding change: c.3556G>T on transcript NM_002335.4 (MANE Select); coding-DNA position 3556, G replaced by T.
Protein change: p.Asp1186Tyr; replaces aspartic acid 1186 with tyrosine.
Molecular consequence: missense variant.
Genome position (GRCh38, 1-based): chr11:68,426,106, G>T. VCF-style: chr11-68426106-G-T. GRCh37 (hg19) VCF-style: chr11-68193574-G-T.
Other names: c.1813G>T, p.Asp605Tyr (NM_001291902.2); short protein forms D605Y, D1186Y.
Identifiers: ClinVar variation 1930077 (VCV001930077.6), dbSNP rs776416009, ClinGen allele CA6150030.